The following is an entry in ClinVar:

ClinVar aggregate classification (germline): Pathogenic/Likely pathogenic. Review status: criteria provided, multiple submitters, no conflicts (2 of 4 stars). 12 submissions from 12 submitters: Pathogenic (8); Likely pathogenic (1). 3 of the submissions do not count toward it. Last evaluated 2025-12-19.

Conditions:
PMM2-congenital disorder of glycosylation. Also called: CDG Ia; JAEKEN SYNDROME; PHOSPHOMANNOMUTASE 2 DEFICIENCY; CARBOHYDRATE-DEFICIENT GLYCOPROTEIN SYNDROME, TYPE Ia; PMM2-CDG; Congenital disorder of glycosylation, type Ia. Identifiers: Orphanet 79318, MedGen C0349653, MONDO:0008907, OMIM 212065.

Allele frequency attached by ClinVar (database versions not stated): TOPMed 0.00001; ExAC 0.00003.

Submissions (12):

Labcorp Genetics (formerly Invitae), Labcorp
Classification: Pathogenic for PMM2-congenital disorder of glycosylation. Last evaluated: 2025-12-19. Review status: criteria provided, single submitter. Criteria: Invitae Variant Classification Sherloc (09022015). Collection method: clinical testing. Allele origin: germline.
Comment: This sequence change replaces valine, which is neutral and non-polar, with methionine, which is neutral and non-polar, at codon 129 of the PMM2 protein (p.Val129Met). The frequency data for this variant in the population databases is considered unreliable, as metrics indicate poor data quality at this position in the gnomAD database. This missense change has been observed in individual(s) with congenital disorder of glycosylation type 1a (CDG1a) (PMID: 9140401, 18629883, 18948042). In at least one individual the data is consistent with being in trans (on the opposite chromosome) from a pathogenic variant. It has also been observed to segregate with disease in related individuals. ClinVar contains an entry for this variant (Variation ID: 7708). Invitae Evidence Modeling of protein sequence and biophysical properties (such as structural, functional, and spatial information, amino acid conservation, physicochemical variation, residue mobility, and thermodynamic stability) has been performed for this missense variant. However, the output from this modeling did not meet the statistical confidence thresholds required to predict the impact of this variant on PMM2 protein function. This variant disrupts the p.Val129 amino acid residue in PMM2. Other variant(s) that disrupt this residue have been determined to be pathogenic (PMID: 16941129). This suggests that this residue is clinically significant, and that variants that disrupt this residue are likely to be disease-causing. For these reasons, this variant has been classified as Pathogenic.

Natera, Inc.
Classification: Pathogenic for Congenital disorder of glycosylation type 1a. Last evaluated: 2024-11-13. Review status: criteria provided, single submitter. Criteria: Natera Variant Classification Schema (03/2026). Collection method: clinical testing. Allele origin: germline.
Comment: The c.385G>A variant in PMM2 is a missense variant predicted to cause substitution of valine to methionine at amino acid 129. This variant is rare in the general population with a frequency below the threshold expected for the associated phenotype(s). This variant has been observed in one or more individuals affected with the associated recessive disease, as either homozygous or compound heterozygous with a second variant (PMID: 35308014, 25355454). Additionally, this variant has been observed to segregate in affected family members (PMID: 25355454). Computational prediction algorithms indicate this variant is likely to affect gene or protein function. Given the available evidence, this variant is classified as Pathogenic.

GeneDx
Classification: Pathogenic. Last evaluated: 2022-01-27. Review status: criteria provided, single submitter. Criteria: GeneDx Variant Classification Process June 2021. Collection method: clinical testing. Allele origin: germline. Affected: yes.
Comment: Published functional studies demonstrate a damaging effect with a decease in the activity and stability of the protein (Pirard et al., 1999); Not observed at a significant frequency in large population cohorts (gnomAD); This variant is associated with the following publications: (PMID: 30577886, 32630370, 25525159, 9140401, 18629883, 31981409, 11409861, 34426522, 33643843, 10386614)

Fulgent Genetics
Classification: Pathogenic for PMM2-congenital disorder of glycosylation. Last evaluated: 2022-01-09. Review status: criteria provided, single submitter. Criteria: ACMG Guidelines, 2015. Collection method: clinical testing. Allele origin: unknown.

Research Laboratories, P. D. Hinduja Hospital & MRC
Classification: Pathogenic for PMM2-congenital disorder of glycosylation. Last evaluated: 2020-07-24. Review status: criteria provided, single submitter. Criteria: ACMG Guidelines, 2015. Collection method: clinical testing. Allele origin: inherited. Inheritance: Autosomal recessive inheritance. Affected: yes. Observed: 1 homozygote.
Comment: The p.Val129Met variant has been classified as pathogenic based on several reports in ClinVar and the literature reports

SIB Swiss Institute of Bioinformatics
Classification: Likely pathogenic for PMM2-congenital disorder of glycosylation. Last evaluated: 2018-05-31. Review status: criteria provided, single submitter. Criteria: ACMG Guidelines, 2015. Collection method: curation. Allele origin: unknown.
Comment: This variant is interpreted as a Likely Pathogenic, for Congenital disorder of glycosylation, type Ia, in Autosomal Recessive manner. The following ACMG Tag(s) were applied: PP3 => Multiple lines of computational evidence support a deleterious effect on the gene or gene product. PM3 => For recessive disorders, detected in trans with a pathogenic variant (PMID:11058896). PM2 => Absent from controls (or at extremely low frequency if recessive) in Exome Sequencing Project, 1000 Genomes Project, or Exome Aggregation Consortium. PS3-Moderate => PS3 downgraded in strength to Moderate (PMID:10386614).

Eurofins Ntd Llc (ga)
Classification: Pathogenic. Last evaluated: 2018-04-24. Review status: criteria provided, single submitter. Criteria: EGL ClinVar v180209 classification definitions. Collection method: clinical testing. Allele origin: germline. Observed: 2 variant alleles, 2 heterozygotes.

Women's Health and Genetics/Laboratory Corporation of America, LabCorp
Classification: Pathogenic for PMM2-congenital disorder of glycosylation. Last evaluated: 2017-02-23. Review status: criteria provided, single submitter. Criteria: LabCorp Variant Classification Summary - May 2015. Collection method: clinical testing. Allele origin: germline.
Comment: Variant summary: The PMM2 c.385G>A (p.Val129Met) variant located in the HAD-like domain (via InterPro) involves the alteration of a conserved nucleotide, which 3/4 in silico tools (SNPs&GO not captured due to low reliability index) predict a damaging outcome. The variant of interest was observed in the large, broad control population, ExAC, with an allele frequency of 1/31420, which does not exceed the estimated maximal expected allele frequency for a pathogenic PMM2 variant of 1/178. Multiple publications have cited the variant in affected individuals presenting with both severe and mild phenotypes dependent upon the PMM2 variant in trans. In addition, multiple clinical diagnostic laboratories/reputable databases classified this variant as likely pathogenic. Taken together, this variant is classified as pathogenic.

Juno Genomics, Hangzhou Juno Genomics, Inc
Classification: Pathogenic for PMM2-congenital disorder of glycosylation. Review status: criteria provided, single submitter. Criteria: ACMG Guidelines, 2015. Collection method: clinical testing. Allele origin: germline.
Comment: Absent from controls (or at extremely low frequency if recessive) in Genome Aggregation Database.;Multiple lines of computational evidence support a deleterious effect on the gene or gene product.;For recessive disorders, detected in trans with a pathogenic variant.

Counsyl
Classification: Likely pathogenic for Carbohydrate-deficient glycoprotein syndrome type I. Last evaluated: 2014-03-23. Review status: no assertion criteria provided. Collection method: literature only. Allele origin: unknown. Inheritance: Autosomal recessive inheritance. Not counted in ClinVar's aggregate classification.

OMIM
Classification: Pathogenic for CONGENITAL DISORDER OF GLYCOSYLATION, TYPE Ia. Last evaluated: 1997-05-01. Review status: no assertion criteria provided. Collection method: literature only. Allele origin: germline. Not counted in ClinVar's aggregate classification.

Pediatric Metabolic Diseases, Hacettepe University
Classification: Likely pathogenic for PMM2-congenital disorder of glycosylation. Review status: no assertion criteria provided. Collection method: clinical testing. Allele origin: germline. Affected: yes. Not counted in ClinVar's aggregate classification.

Literature cited by the submitters: PubMed 9140401 (cited by 4 submitters); PubMed 18629883 (cited by 3 submitters); PubMed 18948042 (cited by Labcorp Genetics (formerly Invitae), Labcorp); PubMed 16941129 (cited by Labcorp Genetics (formerly Invitae), Labcorp); PubMed 35308014 (cited by Natera, Inc.); PubMed 25355454 (cited by Natera, Inc. and Women's Health and Genetics/Laboratory Corporation of America, LabCorp); PubMed 11058896 (cited by SIB Swiss Institute of Bioinformatics and Counsyl); PubMed 10386614 (cited by SIB Swiss Institute of Bioinformatics); PubMed 15844218 (cited by Counsyl); PubMed 12357336 (cited by Counsyl); PubMed 9497260 (cited by Counsyl); PubMed 30061496 (cited by Pediatric Metabolic Diseases, Hacettepe University).

NM_000303.3(PMM2):c.385G>A (p.Val129Met)

Gene: PMM2 (phosphomannomutase 2; plus strand). Cytogenetic location: 16p13.2.
Variant type: single nucleotide variant.
Coding change: c.385G>A on transcript NM_000303.3 (MANE Select); coding-DNA position 385, G replaced by A.
Protein change: p.Val129Met; replaces valine 129 with methionine.
Molecular consequence: missense variant.
Genome position (GRCh38, 1-based): chr16:8,811,116, G>A. VCF-style: chr16-8811116-G-A. GRCh37 (hg19) VCF-style: chr16-8904973-G-A.
Other names: NM_000303.2(PMM2):c.385G>A(p.Val129Met); Chr16: 8811116; short protein forms V129M.
Identifiers: ClinVar variation 7708 (VCV000007708.30), dbSNP rs104894525, ClinGen allele CA254230.
Genomic context (GRCh38, chr16:8,811,116, plus strand): 5'-CTCTGTCACCCTTTCATTCCCAGGGGTACTTTCATTGAATTCCGAAATGGGATGTTAAAC[G>A]TGTCCCCTATTGGAAGAAGCTGCAGCCAAGAAGAACGCATTGAGTTCTACGAACTCGATA-3'
Protein context (NP_000294.1, residues 119-139): FIEFRNGMLN[Val129Met]SPIGRSCSQE